The following is an entry in ClinVar:

ClinVar aggregate classification (germline): Uncertain significance (1 of 4 stars; one submission).

Conditions:
Mucopolysaccharidosis, MPS-IV-A (MPS4A). Also called: Mucopolysaccharidosis type IV A; Mucopolysaccharidosis Type IVA; Morquio syndrome A, mild; MORQUIO SYNDROME A; MPS IVA; mucopolysaccharidosis type 4A. Identifiers: Orphanet 309297, Orphanet 582, MedGen C0086651, MONDO:0009659, OMIM 253000.

Submission:

Laboratory of Diagnosis and Therapy of Lysosomal Disorders, University of Padova
Classification: Uncertain significance for Mucopolysaccharidosis, MPS-IV-A. Last evaluated: 2021-02-01. Review status: criteria provided, single submitter. Criteria: ACMG Guidelines, 2015. Collection method: curation. Allele origin: germline. Affected: yes.
Comment: Absent from gnomAD v2.1.1 (PM2_moderate)

Literature cited by the submitters: PubMed 24035930; PubMed 24120057; PubMed 34387910.

NM_000512.5(GALNS):c.1209_1210delinsTT (p.Trp403_Thr404delinsCysSer)

Gene: GALNS (galactosamine (N-acetyl)-6-sulfatase; minus strand). Cytogenetic location: 16q24.3.
Variant type: Indel.
Coding change: c.1209_1210delinsTT on transcript NM_000512.5 (MANE Select); coding-DNA positions 1209 to 1210, GA replaced by TT.
Protein change: p.Trp403_Thr404delinsCysSer.
Molecular consequence: missense variant.
Genome position (GRCh38, 1-based): chr16:88,824,799-88,824,800, TC replaced by AA on the plus strand (GA replaced by TT on the coding strand, the reverse complement: GALNS is on the minus strand). VCF-style: chr16-88824799-TC-AA. GRCh37 (hg19) VCF-style: chr16-88891207-TC-AA.
Other names: c.654_655delinsTT, p.Trp218_Thr219delinsCysSer (NM_001323543.2); c.1227_1228delinsTT, p.Trp409_Thr410delinsCysSer (NM_001323544.2).
Identifiers: ClinVar variation 1048331 (VCV001048331.3), dbSNP rs2142993802, ClinGen allele CA916079760.